The following is an entry in ClinVar:

NM_001103.4(ACTN2):c.1948G>A (p.Gly650Arg)

Gene: ACTN2 (actinin alpha 2; plus strand). Cytogenetic location: 1q43.
Variant type: single nucleotide variant.
Coding change: c.1948G>A on transcript NM_001103.4 (MANE Select); coding-DNA position 1948, G replaced by A.
Protein change: p.Gly650Arg; replaces glycine 650 with arginine.
Molecular consequence: missense variant.
Genome position (GRCh38, 1-based): chr1:236,754,055, G>A. VCF-style: chr1-236754055-G-A. GRCh37 (hg19) VCF-style: chr1-236917355-G-A.
Other names: c.1948G>A, p.Gly650Arg (NM_001278343.2); c.1324G>A, p.Gly442Arg (NM_001278344.2); short protein forms G650R, G442R.
Identifiers: ClinVar variation 635219 (VCV000635219.11), dbSNP rs1173244523, ClinGen allele CA345387023.
Genomic context (GRCh38, chr1:236,754,055, plus strand): 5'-GCTCGCCAGCATGCTAACGAGCGTCTGAGGCGCCAGTTTGCTGCCCAAGCCAATGCCATT[G>A]GGCCCTGGATCCAGAACAAGATGGAGGTAAGCCAGCGCCCTCCCAGGCGCTGTTCACAAG-3'
Protein context (NP_001094.1, residues 640-660): RQFAAQANAI[Gly650Arg]PWIQNKMEEI

ClinVar aggregate classification (germline): Uncertain significance. Review status: criteria provided, multiple submitters, no conflicts (2 of 4 stars). 2 submissions from 2 submitters: Uncertain significance (2). Last evaluated 2023-04-30.

Conditions:
Primary familial hypertrophic cardiomyopathy (HCM). Identifiers: Orphanet 99739, MedGen C0949658, MeSH D024741, MONDO:0024573. Inheritance: Various modes of inheritance.
Dilated cardiomyopathy 1AA (CMD1AA). Also called: Cardiomyopathy, dilated, 1AA, with or without LVNC; CARDIOMYOPATHY, DILATED, 1AA, WITH OR WITHOUT LEFT VENTRICULAR NONCOMPACTION; CARDIOMYOPATHY, FAMILIAL HYPERTROPHIC, 23, WITH OR WITHOUT LEFT VENTRICULAR NONCOMPACTION. Identifiers: Orphanet 154, MedGen C2677338, MONDO:0012808, OMIM 612158.

Submissions (2):

Labcorp Genetics (formerly Invitae), Labcorp
Classification: Uncertain significance for Primary familial hypertrophic cardiomyopathy; Dilated cardiomyopathy 1AA. Last evaluated: 2023-04-30. Review status: criteria provided, single submitter. Criteria: Invitae Variant Classification Sherloc (09022015). Collection method: clinical testing. Allele origin: germline.
Comment: In summary, the available evidence is currently insufficient to determine the role of this variant in disease. Therefore, it has been classified as a Variant of Uncertain Significance. Advanced modeling of protein sequence and biophysical properties (such as structural, functional, and spatial information, amino acid conservation, physicochemical variation, residue mobility, and thermodynamic stability) performed at Invitae indicates that this missense variant is expected to disrupt ACTN2 protein function. ClinVar contains an entry for this variant (Variation ID: 635219). This variant has not been reported in the literature in individuals affected with ACTN2-related conditions. This variant is not present in population databases (gnomAD no frequency). This sequence change replaces glycine, which is neutral and non-polar, with arginine, which is basic and polar, at codon 650 of the ACTN2 protein (p.Gly650Arg).

Stanford Center for Inherited Cardiovascular Disease, Stanford University
Classification: Uncertain significance. Last evaluated: 2017-03-20. Review status: criteria provided, single submitter. Criteria: ACMG Guidelines, 2015. Collection method: provider interpretation. Allele origin: germline.